The following is an entry in ClinVar:

NM_001377299.1(NDUFS2):c.122T>G (p.Val41Gly)

Gene: NDUFS2 (NADH:ubiquinone oxidoreductase core subunit S2; plus strand). Cytogenetic location: 1q23.3.
Variant type: single nucleotide variant.
Coding change: c.122T>G on transcript NM_001377299.1 (MANE Select); coding-DNA position 122, T replaced by G.
Protein change: p.Val41Gly; replaces valine 41 with glycine.
Molecular consequence: missense variant. On other transcripts: non-coding transcript variant (1).
Genome position (GRCh38, 1-based): chr1:161,203,463, T>G. VCF-style: chr1-161203463-T-G. GRCh37 (hg19) VCF-style: chr1-161173253-T-G.
Other names: c.122T>G, p.Val41Gly (NM_001166159.2, NM_001377298.1, NM_001377300.1 and 4 more transcripts); short protein forms V41G.
Identifiers: ClinVar variation 2064327 (VCV002064327.4), dbSNP rs2525671457, ClinGen allele CA343376815.

ClinVar aggregate classification (germline): Uncertain significance (1 of 4 stars; one submission).

Submission:

Labcorp Genetics (formerly Invitae), Labcorp
Classification: Uncertain significance. Last evaluated: 2022-07-19. Review status: criteria provided, single submitter. Criteria: Invitae Variant Classification Sherloc (09022015). Collection method: clinical testing. Allele origin: germline.
Comment: Algorithms developed to predict the effect of missense changes on protein structure and function are either unavailable or do not agree on the potential impact of this missense change (SIFT: "Deleterious"; PolyPhen-2: "Benign"; Align-GVGD: "Class C0"). In summary, the available evidence is currently insufficient to determine the role of this variant in disease. Therefore, it has been classified as a Variant of Uncertain Significance. This variant is not present in population databases (gnomAD no frequency). This variant has not been reported in the literature in individuals affected with NDUFS2-related conditions. This sequence change replaces valine, which is neutral and non-polar, with glycine, which is neutral and non-polar, at codon 41 of the NDUFS2 protein (p.Val41Gly).